The following is an entry in ClinVar:

ClinVar aggregate classification (germline): Benign/Likely benign. Review status: criteria provided, multiple submitters, no conflicts (2 of 4 stars). 17 submissions from 16 submitters: Benign (3); Likely benign (12). 2 of the submissions do not count toward it. Last evaluated 2026-06-01.

Conditions:
Hereditary cancer-predisposing syndrome. Also called: Tumor predisposition; Neoplastic Syndromes, Hereditary; Hereditary Cancer Syndrome; Hereditary neoplastic syndrome. Identifiers: Orphanet 140162, MedGen C0027672, MeSH D009386, MONDO:0015356.
Gastrointestinal stromal tumor. Also called: Gastrointestinal stroma tumor; Gastrointestinal stromal tumor, somatic. Identifiers: Orphanet 44890, MedGen C0238198, MeSH D046152, MONDO:0011719, OMIM 606764, HP:0100723.
Pheochromocytoma. Also called: MAX-Related Hereditary Paraganglioma-Pheochromocytoma Syndrome. Identifiers: Orphanet 29072, MedGen C0031511, MONDO:0008233, OMIM 171300, HP:0002666.
Pheochromocytoma/paraganglioma syndrome 4. Also called: SDHB-Related Hereditary Paraganglioma-Pheochromocytoma Syndrome (Paragangliomas 4); CAROTID BODY TUMORS AND MULTIPLE EXTRAADRENAL PHEOCHROMOCYTOMAS; SDHB-Related Hereditary Paraganglioma-Pheochromocytoma Syndrome; PARAGANGLIOMA, FAMILIAL MALIGNANT; PARAGANGLIOMAS, HEREDITARY EXTRAADRENAL; PHEOCHROMOCYTOMA, FAMILIAL EXTRAADRENAL. Identifiers: Orphanet 29072, MedGen C1861848, MONDO:0007273, OMIM 115310.
Cowden syndrome (CS). Also called: Cowden's disease; Cowden's syndrome; Cowden disease. Identifiers: Orphanet 201, MedGen C0018553, MONDO:0016063. Disease mechanism: gain of function.
Hereditary pheochromocytoma and paraganglioma. Also called: Hereditary paragangliomas and pheochromocytomas; Hereditary Paraganglioma-Pheochromocytoma Syndromes; Hereditary pheochromocytoma-paraganglioma. Identifiers: Orphanet 29072, MedGen C4274332, MONDO:0017366.
Carney-Stratakis syndrome. Also called: PARAGANGLIOMA AND GASTROINTESTINAL STROMAL TUMOR. Identifiers: Orphanet 97286, MedGen C1847319, MONDO:0011740, OMIM 606864.

Allele frequency attached by ClinVar (database versions not stated): TOPMed 0.00045; gnomAD 0.00050 and 0.00054; ESP Exome Variant Server 0.00069; 1000 Genomes Project 30x 0.00031; 1000 Genomes Project 0.00040.
gnomAD v4.1: 940 of 1,612,602 alleles (0.058%); highest among the groups gnomAD compares: Non-Finnish European, 0.07%; no homozygotes.

Submissions (17):

CeGaT Center for Human Genetics Tuebingen
Classification: Likely benign. Last evaluated: 2026-06-01. Review status: criteria provided, single submitter. Criteria: CeGaT Center For Human Genetics Tuebingen Variant Classification Criteria Version 2. Collection method: clinical testing. Allele origin: germline. Affected: yes. Observed: 3 variant alleles.
Comment: SDHB: BP4

Labcorp Genetics (formerly Invitae), Labcorp
Classification: Benign for Gastrointestinal stromal tumor; Pheochromocytoma/paraganglioma syndrome 4; Pheochromocytoma. Last evaluated: 2026-02-02. Review status: criteria provided, single submitter. Criteria: Invitae Variant Classification Sherloc (09022015). Collection method: clinical testing. Allele origin: germline.

ARUP Laboratories, Molecular Genetics and Genomics, ARUP Laboratories
Classification: Likely benign. Last evaluated: 2025-06-27. Review status: criteria provided, single submitter. Criteria: ARUP Molecular Germline Variant Investigation Process 2024. Collection method: clinical testing. Allele origin: germline.

Center for Genomic Medicine, Rigshospitalet, Copenhagen University Hospital
Classification: Likely benign. Last evaluated: 2025-03-04. Review status: criteria provided, single submitter. Criteria: ACMG Guidelines, 2015. Collection method: clinical testing. Allele origin: germline.

Women's Health and Genetics/Laboratory Corporation of America, LabCorp
Classification: Benign. Last evaluated: 2025-01-12. Review status: criteria provided, single submitter. Criteria: LabCorp Variant Classification Summary - May 2015. Collection method: clinical testing. Allele origin: germline.

Blueprint Genetics
Classification: Likely benign. Last evaluated: 2024-09-25. Review status: criteria provided, single submitter. Criteria: ACMG Guidelines, 2015. Collection method: clinical testing. Allele origin: germline.

Department of Pathology and Laboratory Medicine, Sinai Health System
Classification: Likely benign for Cowden syndrome. Last evaluated: 2024-01-15. Review status: criteria provided, single submitter. Criteria: ACMG Guidelines, 2015. Collection method: clinical testing. Allele origin: germline. Affected: yes.

Color Diagnostics, LLC DBA Color Health
Classification: Benign for Hereditary pheochromocytoma and paraganglioma. Last evaluated: 2022-11-08. Review status: criteria provided, single submitter. Criteria: ACMG Guidelines, 2015. Collection method: clinical testing. Allele origin: germline.

Sema4
Classification: Likely benign for Hereditary cancer-predisposing syndrome. Last evaluated: 2021-07-14. Review status: criteria provided, single submitter. Criteria: Sema4 Curation Guidelines. Collection method: curation. Allele origin: germline.

GeneDx
Classification: Likely benign. Last evaluated: 2021-01-28. Review status: criteria provided, single submitter. Criteria: GeneDx Variant Classification Process June 2021. Collection method: clinical testing. Allele origin: germline. Affected: yes.
Comment: This variant is associated with the following publications: (PMID: 12362046)

Genetic Services Laboratory, University of Chicago
Classification: Likely benign. Last evaluated: 2020-02-26. Review status: criteria provided, single submitter. Criteria: ACMG Guidelines, 2015. Collection method: clinical testing. Allele origin: germline. Affected: no.

Illumina Laboratory Services, Illumina
Classification: Likely benign for Hereditary Paraganglioma-Pheochromocytoma Syndromes. Last evaluated: 2017-04-27. Review status: criteria provided, single submitter. Criteria: ICSL Variant Classification Criteria 13 December 2019. Collection method: clinical testing. Allele origin: germline.
Comment: This variant was observed as part of a predisposition screen in an ostensibly healthy population. A literature search was performed for the gene, cDNA change, and amino acid change (where applicable). Publications were found based on this search. The evidence from the literature, in combination with allele frequency data from public databases where available, was sufficient to determine this variant is unlikely to cause disease. Therefore, this variant is classified as likely benign.

Illumina Laboratory Services, Illumina
Classification: Likely benign for Carney-Stratakis syndrome. Last evaluated: 2017-04-27. Review status: criteria provided, single submitter. Criteria: ICSL Variant Classification Criteria 13 December 2019. Collection method: clinical testing. Allele origin: germline.
Comment: This variant was observed as part of a predisposition screen in an ostensibly healthy population. A literature search was performed for the gene, cDNA change, and amino acid change (where applicable). No publications were found based on this search. Allele frequency data from public databases allowed determination this variant is unlikely to cause disease. Therefore, this variant is classified as likely benign.

Ambry Genetics
Classification: Likely benign for Hereditary cancer-predisposing syndrome. Last evaluated: 2014-07-03. Review status: criteria provided, single submitter. Criteria: Ambry Variant Classification Scheme 2023. Collection method: clinical testing. Allele origin: germline.

Breakthrough Genomics
Classification: Likely benign. Review status: criteria provided, single submitter. Criteria: ACMG Guidelines, 2015. Collection method: not provided. Allele origin: germline. Inheritance: Autosomal recessive inheritance. Affected: yes.

Genome Diagnostics Laboratory, Amsterdam University Medical Center
Classification: Benign. Review status: no assertion criteria provided. Collection method: clinical testing. Allele origin: germline. Affected: yes. Study: VKGL Data-share Consensus. Not counted in ClinVar's aggregate classification.

Genome Diagnostics Laboratory, University Medical Center Utrecht
Classification: Benign. Review status: no assertion criteria provided. Collection method: clinical testing. Allele origin: germline. Affected: yes. Study: VKGL Data-share Consensus. Not counted in ClinVar's aggregate classification.

Literature cited by the submitters: PubMed 12362046 (cited by Department of Pathology and Laboratory Medicine, Sinai Health System and Illumina Laboratory Services, Illumina); PubMed 17652212 (cited by Illumina Laboratory Services, Illumina); PubMed 15328326 (cited by Illumina Laboratory Services, Illumina).

NM_003000.3(SDHB):c.21C>T (p.Leu7=)

Gene: SDHB (succinate dehydrogenase complex iron sulfur subunit B; minus strand). Cytogenetic location: 1p36.13.
Variant type: single nucleotide variant.
Coding change: c.21C>T on transcript NM_003000.3 (MANE Select); coding-DNA position 21, C replaced by T.
Protein change: p.Leu7=; no amino-acid change (leucine 7 retained).
Molecular consequence: synonymous variant.
Genome position (GRCh38, 1-based): chr1:17,053,999, G>A on the plus strand (C>T on the coding strand, the complement: SDHB is on the minus strand). VCF-style: chr1-17053999-G-A. GRCh37 (hg19) VCF-style: chr1-17380494-G-A.
Identifiers: ClinVar variation 183749 (VCV000183749.72), dbSNP rs147815442, ClinGen allele CA015608.